The following is an entry in ClinVar:

ClinVar aggregate classification (germline): Uncertain significance (1 of 4 stars; one submission).

Conditions:
Luscan-Lumish syndrome. Identifiers: Orphanet 597738, MedGen C4085873, MONDO:0014791, OMIM 616831.

gnomAD v4.1: 1 of 1,613,978 alleles (0.000062%); highest among the groups gnomAD compares: Non-Finnish European, 0.000085%; no homozygotes.

Submission:

Institute of Human Genetics, University of Leipzig Medical Center
Classification: Uncertain significance for Luscan-Lumish syndrome. Last evaluated: 2026-02-03. Review status: criteria provided, single submitter. Criteria: ACMG Guidelines, 2015. Collection method: clinical testing. Allele origin: unknown. Inheritance: Autosomal dominant inheritance. Affected: yes.
Comment: Criteria applied: PM2_SUP,PP2,PP3

NM_014159.7(SETD2):c.5209A>T (p.Ser1737Cys)

Gene: SETD2 (SET domain containing 2, histone lysine methyltransferase; minus strand). Cytogenetic location: 3p21.31.
Variant type: single nucleotide variant.
Coding change: c.5209A>T on transcript NM_014159.7 (MANE Select); coding-DNA position 5209, A replaced by T.
Protein change: p.Ser1737Cys; replaces serine 1737 with cysteine.
Molecular consequence: missense variant. On other transcripts: non-coding transcript variant (1).
Genome position (GRCh38, 1-based): chr3:47,088,181, T>A on the plus strand (A>T on the coding strand, the complement: SETD2 is on the minus strand). VCF-style: chr3-47088181-T-A. GRCh37 (hg19) VCF-style: chr3-47129671-T-A.
Other names: c.5077A>T, p.Ser1693Cys (NM_001349370.3); short protein forms S1693C, S1737C.
Identifiers: ClinVar variation 4819110 (VCV004819110.1).